The following is an entry in ClinVar:

ClinVar aggregate classification (germline): Uncertain significance (1 of 4 stars; one submission).

Submission:

Labcorp Genetics (formerly Invitae), Labcorp
Classification: Uncertain significance. Last evaluated: 2024-05-09. Review status: criteria provided, single submitter. Criteria: Invitae Variant Classification Sherloc (09022015). Collection method: clinical testing. Allele origin: germline.
Comment: This sequence change replaces threonine, which is neutral and polar, with isoleucine, which is neutral and non-polar, at codon 82 of the TCF3 protein (p.Thr82Ile). This variant is not present in population databases (gnomAD no frequency). This variant has not been reported in the literature in individuals affected with TCF3-related conditions. Advanced modeling of protein sequence and biophysical properties (such as structural, functional, and spatial information, amino acid conservation, physicochemical variation, residue mobility, and thermodynamic stability) performed at Invitae indicates that this missense variant is not expected to disrupt TCF3 protein function with a negative predictive value of 80%. In summary, the available evidence is currently insufficient to determine the role of this variant in disease. Therefore, it has been classified as a Variant of Uncertain Significance.

NM_003200.5(TCF3):c.245C>T (p.Thr82Ile)

Gene: TCF3 (transcription factor 3; minus strand). Cytogenetic location: 19p13.3.
Variant type: single nucleotide variant.
Coding change: c.245C>T on transcript NM_003200.5 (MANE Select); coding-DNA position 245, C replaced by T.
Protein change: p.Thr82Ile; replaces threonine 82 with isoleucine.
Molecular consequence: missense variant.
Genome position (GRCh38, 1-based): chr19:1,632,091, G>A on the plus strand (C>T on the coding strand, the complement: TCF3 is on the minus strand). VCF-style: chr19-1632091-G-A. GRCh37 (hg19) VCF-style: chr19-1632090-G-A.
Other names: c.245C>T, p.Thr82Ile (NM_001136139.4, NM_001351778.2, NM_001351779.2); short protein forms T82I.
Identifiers: ClinVar variation 2701882 (VCV002701882.3), dbSNP rs2514237408, ClinGen allele CA403079980.